The following is an entry in ClinVar:

NM_014425.5(INVS):c.2254G>A (p.Gly752Arg)

Gene: INVS (inversin; plus strand). Cytogenetic location: 9q31.1.
Variant type: single nucleotide variant.
Coding change: c.2254G>A on transcript NM_014425.5 (MANE Select); coding-DNA position 2254, G replaced by A.
Protein change: p.Gly752Arg; replaces glycine 752 with arginine.
Molecular consequence: missense variant. On other transcripts: non-coding transcript variant (1).
Genome position (GRCh38, 1-based): chr9:100,292,511, G>A. VCF-style: chr9-100292511-G-A. GRCh37 (hg19) VCF-style: chr9-103054793-G-A.
Other names: c.1966G>A, p.Gly656Arg (NM_001318381.2); c.1276G>A, p.Gly426Arg (NM_001318382.2); short protein forms G656R, G752R, G426R.
Identifiers: ClinVar variation 2202327 (VCV002202327.4), dbSNP rs1453191793, ClinGen allele CA374242578.

ClinVar aggregate classification (germline): Uncertain significance (1 of 4 stars; one submission).

Conditions:
Nephronophthisis. Also called: Juvenile Nephronophthisis. Identifiers: Orphanet 655, MedGen C0687120, MONDO:0019005, HP:0000090.

Allele frequency attached by ClinVar (database versions not stated): gnomAD exomes below 0.00001.
gnomAD v4.1: 1 of 1,614,146 alleles (0.000062%); highest among the groups gnomAD compares: Admixed American, 0.0017%; no homozygotes.

Submission:

Labcorp Genetics (formerly Invitae), Labcorp
Classification: Uncertain significance for Nephronophthisis. Last evaluated: 2022-05-17. Review status: criteria provided, single submitter. Criteria: Invitae Variant Classification Sherloc (09022015). Collection method: clinical testing. Allele origin: germline.
Comment: This variant has not been reported in the literature in individuals affected with INVS-related conditions. This variant is present in population databases (no rsID available, gnomAD no frequency). This sequence change replaces glycine, which is neutral and non-polar, with arginine, which is basic and polar, at codon 752 of the INVS protein (p.Gly752Arg). Algorithms developed to predict the effect of missense changes on protein structure and function output the following: SIFT: "Tolerated"; PolyPhen-2: "Benign"; Align-GVGD: "Class C0". The arginine amino acid residue is found in multiple mammalian species, which suggests that this missense change does not adversely affect protein function. In summary, the available evidence is currently insufficient to determine the role of this variant in disease. Therefore, it has been classified as a Variant of Uncertain Significance.